The following is an entry in ClinVar:

NM_020433.5(JPH2):c.1090C>T (p.Gln364Ter)

Gene: JPH2 (junctophilin 2; minus strand). Cytogenetic location: 20q13.12.
Variant type: single nucleotide variant.
Coding change: c.1090C>T on transcript NM_020433.5 (MANE Select); coding-DNA position 1090, C replaced by T.
Protein change: p.Gln364Ter; replaces glutamine 364 with a stop codon.
Molecular consequence: nonsense.
Genome position (GRCh38, 1-based): chr20:44,159,697, G>A on the plus strand (C>T on the coding strand, the complement: JPH2 is on the minus strand). VCF-style: chr20-44159697-G-A. GRCh37 (hg19) VCF-style: chr20-42788337-G-A.
Other names: p.Q364*:CAG>TAG; short protein forms Q364*.
Identifiers: ClinVar variation 201800 (VCV000201800.5), dbSNP rs794729024, ClinGen allele CA335232.

ClinVar aggregate classification (germline): Uncertain significance. Review status: criteria provided, multiple submitters, no conflicts (2 of 4 stars). 2 submissions from 2 submitters: Uncertain significance (2). Last evaluated 2014-03-18.

gnomAD v4.1: 1 of 1,613,128 alleles (0.000062%); highest among the groups gnomAD compares: Non-Finnish European, 0.000085%; no homozygotes.

Submissions (2):

Stanford Center for Inherited Cardiovascular Disease, Stanford University
Classification: Uncertain significance. Last evaluated: 2014-03-18. Review status: criteria provided, single submitter. Criteria: ACMG Guidelines, 2015. Collection method: provider interpretation. Allele origin: germline.

GeneDx
Classification: Uncertain significance. Last evaluated: 2014-03-11. Review status: criteria provided, single submitter. Criteria: GeneDx Variant Classification (06012015). Collection method: clinical testing. Allele origin: germline. Affected: yes.
Comment: The Q364X variant in the JPH2 gene has not been reported as a disease-causing mutation or as a benign polymorphism to our knowledge. Q364X is predicted to cause loss of normal protein function either by protein truncation or nonsense-mediated mRNA decay. However, no nonsense mutations in the JPH2 gene have been reported in association with cardiomyopathy. Therefore, based on the currently available information, it is unclear whether this variant is a pathogenic mutation or a rare benign variant. The variant is found in CARDIOMYOPATHY panel(s).